The following is an entry in ClinVar:

NM_000057.4(BLM):c.1840G>C (p.Ala614Pro)

Gene: BLM (BLM RecQ like helicase; plus strand). Cytogenetic location: 15q26.1.
Variant type: single nucleotide variant.
Coding change: c.1840G>C on transcript NM_000057.4 (MANE Select); coding-DNA position 1840, G replaced by C.
Protein change: p.Ala614Pro; replaces alanine 614 with proline.
Molecular consequence: missense variant.
Genome position (GRCh38, 1-based): chr15:90,761,213, G>C. VCF-style: chr15-90761213-G-C. GRCh37 (hg19) VCF-style: chr15-91304443-G-C.
Other names: c.1840G>C, p.Ala614Pro (NM_001287246.2, NM_001287247.2); c.715G>C, p.Ala239Pro (NM_001287248.2); short protein forms A239P, A614P.
Identifiers: ClinVar variation 2137765 (VCV002137765.3), dbSNP rs1895978868, ClinGen allele CA393843952.

ClinVar aggregate classification (germline): Uncertain significance (1 of 4 stars; one submission).

Conditions:
Bloom syndrome (BLM). Also called: Bloom-Torre-Machacek syndrome. Identifiers: Orphanet 125, MedGen C0005859, MONDO:0008876, OMIM 210900.

Submission:

Labcorp Genetics (formerly Invitae), Labcorp
Classification: Uncertain significance for Bloom syndrome. Last evaluated: 2022-02-02. Review status: criteria provided, single submitter. Criteria: Invitae Variant Classification Sherloc (09022015). Collection method: clinical testing. Allele origin: germline.
Comment: In summary, the available evidence is currently insufficient to determine the role of this variant in disease. Therefore, it has been classified as a Variant of Uncertain Significance. This sequence change replaces alanine, which is neutral and non-polar, with proline, which is neutral and non-polar, at codon 614 of the BLM protein (p.Ala614Pro). This variant is not present in population databases (gnomAD no frequency). This variant has not been reported in the literature in individuals affected with BLM-related conditions. Algorithms developed to predict the effect of missense changes on protein structure and function (SIFT, PolyPhen-2, Align-GVGD) all suggest that this variant is likely to be tolerated.